The following is an entry in ClinVar:

ClinVar aggregate classification (germline): Likely pathogenic (1 of 4 stars; one submission).

Conditions:
FGB-related disorder. Also called: FGB-related condition.

gnomAD v4.1: 6 of 1,614,168 alleles (0.00037%); highest among the groups gnomAD compares: Non-Finnish European, 0.00051%; no homozygotes.

Submission:

PreventionGenetics, part of Exact Sciences
Classification: Likely pathogenic for FGB-related condition. Last evaluated: 2026-02-16. Review status: criteria provided, single submitter. Criteria: ACMG Guidelines, 2015. Collection method: clinical testing. Allele origin: germline.
Comment: The FGB c.1311T>A variant is predicted to result in premature protein termination (p.Cys437*). This variant was reported in an individual with hypofibrinogenemia (Aung et al. 2015. PubMed ID: 26308135). This variant is reported in 0.00088% of alleles in individuals of European (Non-Finnish) descent in gnomAD. This variant resides in the final exon of this gene, and it is unclear if the resulting mRNA would undergo nonsense-mediated decay. However, this variant truncates greater than 10 % of the total protein length and downstream truncations have been reported in individuals with hypofibrinogenemia (Neermen-Arbez et al. 2003. PubMed ID: 12511408; Homer et al. 2002. PubMed ID: 12353071). Nonsense variants in FGB are expected to be pathogenic. This variant is interpreted as likely pathogenic.

NM_005141.5(FGB):c.1311T>A (p.Cys437Ter)

Gene: FGB (fibrinogen beta chain; plus strand). Cytogenetic location: 4q31.3.
Variant type: single nucleotide variant.
Coding change: c.1311T>A on transcript NM_005141.5 (MANE Select); coding-DNA position 1311, T replaced by A.
Protein change: p.Cys437Ter; replaces cysteine 437 with a stop codon.
Molecular consequence: nonsense. On other transcripts: 3 prime UTR variant (1), intron variant (2).
Genome position (GRCh38, 1-based): chr4:154,570,485, T>A. VCF-style: chr4-154570485-T-A. GRCh37 (hg19) VCF-style: chr4-155491637-T-A.
Other names: c.1134T>A, p.Cys378Ter (NM_001184741.1); c.1179T>A, p.Cys393Ter (NM_001382759.1); c.1011T>A, p.Cys337Ter (NM_001382762.1); c.1302T>A, p.Cys434Ter (NM_001382763.1); c.*85T>A (NM_001382764.1); c.1287T>A, p.Cys429Ter (NM_001382765.1); c.1245-24T>A (NM_001382761.1); c.1245-132T>A (NM_001382760.1); short protein forms C429*, C393*, C434*, C437*, C337*, C378*.
Identifiers: ClinVar variation 4984249 (VCV004984249.1).